The following is an entry in ClinVar:

ClinVar aggregate classification (germline): Uncertain significance (1 of 4 stars; one submission).

Conditions:
Epileptic encephalopathy. Identifiers: MedGen C0543888, HP:0200134.

Allele frequency attached by ClinVar (database versions not stated): gnomAD exomes 0.00001.
gnomAD v4.1: 4 of 1,602,030 alleles (0.00025%); highest among the groups gnomAD compares: African/African-American, 0.0013%; no homozygotes.

Submission:

Labcorp Genetics (formerly Invitae), Labcorp
Classification: Uncertain significance for Epileptic encephalopathy. Last evaluated: 2019-02-22. Review status: criteria provided, single submitter. Criteria: Invitae Variant Classification Sherloc (09022015). Collection method: clinical testing. Allele origin: germline.
Comment: In summary, the available evidence is currently insufficient to determine the role of this variant in disease. Therefore, it has been classified as a Variant of Uncertain Significance. Algorithms developed to predict the effect of missense changes on protein structure and function are either unavailable or do not agree on the potential impact of this missense change (SIFT: "Tolerated"; PolyPhen-2: "Possibly Damaging"; Align-GVGD: "Class C0"). This variant has not been reported in the literature in individuals with RYR3-related conditions. This variant is not present in population databases (ExAC no frequency). This sequence change replaces proline with arginine at codon 2336 of the RYR3 protein (p.Pro2336Arg). The proline residue is highly conserved and there is a moderate physicochemical difference between proline and arginine.

NM_001036.6(RYR3):c.7007C>G (p.Pro2336Arg)

Gene: RYR3 (ryanodine receptor 3; plus strand). Cytogenetic location: 15q14.
Variant type: single nucleotide variant.
Coding change: c.7007C>G on transcript NM_001036.6 (MANE Select); coding-DNA position 7007, C replaced by G.
Protein change: p.Pro2336Arg; replaces proline 2336 with arginine.
Molecular consequence: missense variant.
Genome position (GRCh38, 1-based): chr15:33,726,480, C>G. VCF-style: chr15-33726480-C-G. GRCh37 (hg19) VCF-style: chr15-34018681-C-G.
Other names: c.7007C>G, p.Pro2336Arg (NM_001243996.4); short protein forms P2336R.
Identifiers: ClinVar variation 847112 (VCV000847112.9), dbSNP rs1434123396, ClinGen allele CA391577048.